The following is an entry in ClinVar:

NM_000180.4(GUCY2D):c.411G>C (p.Glu137Asp)

Gene: GUCY2D (guanylate cyclase 2D, retinal; plus strand). Cytogenetic location: 17p13.1.
Variant type: single nucleotide variant.
Coding change: c.411G>C on transcript NM_000180.4 (MANE Select); coding-DNA position 411, G replaced by C.
Protein change: p.Glu137Asp; replaces glutamic acid 137 with aspartic acid.
Molecular consequence: missense variant.
Genome position (GRCh38, 1-based): chr17:8,003,458, G>C. VCF-style: chr17-8003458-G-C. GRCh37 (hg19) VCF-style: chr17-7906776-G-C.
Other names: short protein forms E137D.
Identifiers: ClinVar variation 1966602 (VCV001966602.5), dbSNP rs2545417872, ClinGen allele CA397943455.
Genomic context (GRCh38, chr17:8,003,458, plus strand): 5'-GCTGGCCCGCGTGTCGGGCCTCGTGGGTCCGGTGAACCCTGCGGCCTGCCGGCCAGCCGA[G>C]CTGCTCGCCGAAGAAGCCGGGATCGCGCTGGTGCCCTGGGGCTGCCCCTGGACGCAGGCG-3'
Protein context (NP_000171.1, residues 127-147): PVNPAACRPA[Glu137Asp]LLAEEAGIAL

ClinVar aggregate classification (germline): Uncertain significance (1 of 4 stars; one submission).

Conditions:
Cone-rod dystrophy 6 (CORD6). Also called: RETINAL CONE DYSTROPHY 2; Cone dystrophy progressive. Identifiers: Orphanet 1872, MedGen C1866293, MONDO:0011143, OMIM 601777.
Leber congenital amaurosis 1 (LCA1). Also called: AMAUROSIS CONGENITA OF LEBER I; RETINAL BLINDNESS, CONGENITAL; Congenital absence of the rods and cones; Leber's congenital tapetoretinal degeneration; Leber's congenital tapetoretinal dysplasia. Identifiers: Orphanet 65, MedGen C2931258, MONDO:0008764, OMIM 204000.

gnomAD v4.1: 2 of 1,521,450 alleles (0.00013%); highest among the groups gnomAD compares: Non-Finnish European, 0.00018%; no homozygotes.

Submission:

Labcorp Genetics (formerly Invitae), Labcorp
Classification: Uncertain significance for Leber congenital amaurosis 1; Cone-rod dystrophy 6. Last evaluated: 2024-12-02. Review status: criteria provided, single submitter. Criteria: Invitae Variant Classification Sherloc (09022015). Collection method: clinical testing. Allele origin: germline.
Comment: This sequence change replaces glutamic acid, which is acidic and polar, with aspartic acid, which is acidic and polar, at codon 137 of the GUCY2D protein (p.Glu137Asp). This variant is not present in population databases (gnomAD no frequency). This variant has not been reported in the literature in individuals affected with GUCY2D-related conditions. ClinVar contains an entry for this variant (Variation ID: 1966602). Invitae Evidence Modeling of protein sequence and biophysical properties (such as structural, functional, and spatial information, amino acid conservation, physicochemical variation, residue mobility, and thermodynamic stability) indicates that this missense variant is not expected to disrupt GUCY2D protein function with a negative predictive value of 80%. In summary, the available evidence is currently insufficient to determine the role of this variant in disease. Therefore, it has been classified as a Variant of Uncertain Significance.